The following is an entry in ClinVar:

ClinVar aggregate classification (germline): Uncertain significance (1 of 4 stars; one submission).

Conditions:
Achondrogenesis, type IB (ACG1B). Also called: Achondrogenesis Type 1B. Identifiers: Orphanet 932, Orphanet 93298, MedGen C0265274, MONDO:0010966, OMIM 600972.
Atelosteogenesis type II (AO2). Also called: NEONATAL OSSEOUS DYSPLASIA I; Neonatal osseous dysplasia 1; SLC26A2-Related Atelosteogenesis. Identifiers: Orphanet 56304, MedGen C1850554, MONDO:0009727, OMIM 256050.
Diastrophic dysplasia (DTD). Also called: Diastrophic dwarfism. Identifiers: Orphanet 628, MedGen C0220726, MONDO:0009107, OMIM 222600.
Multiple epiphyseal dysplasia type 4 (EDM4). Also called: SLC26A2-Related Multiple Epiphyseal Dysplasia; Multiple Epiphyseal Dysplasia, Recessive; MULTIPLE EPIPHYSEAL DYSPLASIA WITH BILAYERED PATELLAE; MULTIPLE EPIPHYSEAL DYSPLASIA WITH CLUBFOOT; MULTIPLE EPIPHYSEAL DYSPLASIA, AUTOSOMAL RECESSIVE. Identifiers: Orphanet 93307, MedGen C1847593, MONDO:0009189, OMIM 226900.

Allele frequency attached by ClinVar (database versions not stated): gnomAD exomes below 0.00001.
gnomAD v4.1: 2 of 1,614,188 alleles (0.00012%); highest among the groups gnomAD compares: East Asian, 0.0022%; no homozygotes.

Submission:

Labcorp Genetics (formerly Invitae), Labcorp
Classification: Uncertain significance for Atelosteogenesis type II; Multiple epiphyseal dysplasia type 4; Achondrogenesis, type IB; Diastrophic dysplasia. Last evaluated: 2021-08-14. Review status: criteria provided, single submitter. Criteria: Invitae Variant Classification Sherloc (09022015). Collection method: clinical testing. Allele origin: germline.
Comment: This sequence change replaces isoleucine with threonine at codon 488 of the SLC26A2 protein (p.Ile488Thr). The isoleucine residue is highly conserved and there is a moderate physicochemical difference between isoleucine and threonine. This variant is not present in population databases (ExAC no frequency). This variant has not been reported in the literature in individuals affected with SLC26A2-related conditions. Advanced modeling of protein sequence and biophysical properties (such as structural, functional, and spatial information, amino acid conservation, physicochemical variation, residue mobility, and thermodynamic stability) performed at Invitae indicates that this missense variant is expected to disrupt SLC26A2 protein function. In summary, the available evidence is currently insufficient to determine the role of this variant in disease. Therefore, it has been classified as a Variant of Uncertain Significance.

NM_000112.4(SLC26A2):c.1463T>C (p.Ile488Thr)

Gene: SLC26A2 (solute carrier family 26 member 2; plus strand). Cytogenetic location: 5q32.
Variant type: single nucleotide variant.
Coding change: c.1463T>C on transcript NM_000112.4 (MANE Select); coding-DNA position 1463, T replaced by C.
Protein change: p.Ile488Thr; replaces isoleucine 488 with threonine.
Molecular consequence: missense variant.
Genome position (GRCh38, 1-based): chr5:149,981,056, T>C. VCF-style: chr5-149981056-T-C. GRCh37 (hg19) VCF-style: chr5-149360619-T-C.
Other names: short protein forms I488T.
Identifiers: ClinVar variation 1399739 (VCV001399739.5), dbSNP rs2113698778, ClinGen allele CA361707919.